The following is an entry in ClinVar:

ClinVar aggregate classification (germline): Likely benign (1 of 4 stars; one submission).

Submission:

CeGaT Center for Human Genetics Tuebingen
Classification: Likely benign. Last evaluated: 2023-04-01. Review status: criteria provided, single submitter. Criteria: CeGaT Center For Human Genetics Tuebingen Variant Classification Criteria Version 2. Collection method: clinical testing. Allele origin: germline. Affected: yes. Observed: 2 variant alleles.
Comment: SBF1: PM2:Supporting, BP4, BP7

NM_002972.4(SBF1):c.5031A>C (p.Ser1677=)

Gene: SBF1 (SET binding factor 1; minus strand). Cytogenetic location: 22q13.33.
Variant type: single nucleotide variant.
Coding change: c.5031A>C on transcript NM_002972.4 (MANE Select); coding-DNA position 5031, A replaced by C.
Protein change: p.Ser1677=; no amino-acid change (serine 1677 retained).
Molecular consequence: synonymous variant.
Genome position (GRCh38, 1-based): chr22:50,454,524, T>G on the plus strand (A>C on the coding strand, the complement: SBF1 is on the minus strand). VCF-style: chr22-50454524-T-G. GRCh37 (hg19) VCF-style: chr22-50892953-T-G.
Other names: c.4956A>C, p.Ser1652= (NM_001365819.1); c.5034A>C, p.Ser1678= (NM_001410794.1); c.4953A>C, p.Ser1651= (NM_001410795.1); c.5031A>C, p.Ser1677= (NM_197971.1).
Identifiers: ClinVar variation 2498913 (VCV002498913.28), dbSNP rs2521820811, ClinGen allele CA515265103.